The following is an entry in ClinVar:

ClinVar aggregate classification (germline): Uncertain significance (1 of 4 stars; one submission).

Submission:

Labcorp Genetics (formerly Invitae), Labcorp
Classification: Uncertain significance. Last evaluated: 2025-10-18. Review status: criteria provided, single submitter. Criteria: Invitae Variant Classification Sherloc (09022015). Collection method: clinical testing. Allele origin: germline.
Comment: This sequence change replaces alanine, which is neutral and non-polar, with methionine, which is neutral and non-polar, at codon 80 of the PITPNM3 protein (p.Ala80Met). This variant is present in population databases (no rsID available, gnomAD 0.001%). This variant has not been reported in the literature in individuals affected with PITPNM3-related conditions. ClinVar contains an entry for this variant (Variation ID: 3618048). An algorithm developed to predict the effect of missense changes on protein structure and function (PolyPhen-2) suggests that this variant is likely to be tolerated. In summary, the available evidence is currently insufficient to determine the role of this variant in disease. Therefore, it has been classified as a Variant of Uncertain Significance.

NM_031220.4(PITPNM3):c.238_239delinsAT (p.Ala80Met)

Gene: PITPNM3 (PITPNM family member 3; minus strand). Cytogenetic location: 17p13.1.
Variant type: Indel.
Coding change: c.238_239delinsAT on transcript NM_031220.4 (MANE Select); coding-DNA positions 238 to 239, GC replaced by AT.
Protein change: p.Ala80Met; replaces alanine 80 with methionine.
Molecular consequence: missense variant.
Genome position (GRCh38, 1-based): chr17:6,503,562-6,503,563, GC replaced by AT on the plus strand (GC replaced by AT on the coding strand, the reverse complement: PITPNM3 is on the minus strand). VCF-style: chr17-6503562-GC-AT. GRCh37 (hg19) VCF-style: chr17-6406882-GC-AT.
Other names: c.130_131delinsAT, p.Ala44Met (NM_001165966.2); short protein forms A44M, A80M.
Identifiers: ClinVar variation 3618048 (VCV003618048.2).